The following is an entry in ClinVar:

NM_024675.4(PALB2):c.1048C>T (p.Gln350Ter)

Gene: PALB2 (partner and localizer of BRCA2; minus strand). Cytogenetic location: 16p12.2.
Variant type: single nucleotide variant.
Coding change: c.1048C>T on transcript NM_024675.4 (MANE Select); coding-DNA position 1048, C replaced by T.
Protein change: p.Gln350Ter; replaces glutamine 350 with a stop codon.
Molecular consequence: nonsense.
Genome position (GRCh38, 1-based): chr16:23,635,498, G>A on the plus strand (C>T on the coding strand, the complement: PALB2 is on the minus strand). VCF-style: chr16-23635498-G-A. GRCh37 (hg19) VCF-style: chr16-23646819-G-A.
Other names: short protein forms Q350*.
Identifiers: ClinVar variation 410191 (VCV000410191.14), dbSNP rs1060502788, ClinGen allele CA16615273.

ClinVar aggregate classification (germline): Pathogenic. Review status: criteria provided, multiple submitters, no conflicts (2 of 4 stars). 5 submissions from 5 submitters: Pathogenic (4). 1 of the submissions does not count toward it. Last evaluated 2024-11-19.

Conditions:
Familial cancer of breast. Also called: BREAST CANCER, FAMILIAL; Hereditary breast cancer; hereditary breast carcinoma. Identifiers: Orphanet 227535, MedGen C0346153, MONDO:0016419, OMIM 114480. Disease mechanism: loss of function.
Hereditary cancer-predisposing syndrome. Also called: Tumor predisposition; Hereditary Cancer Syndrome; Hereditary neoplastic syndrome; Neoplastic Syndromes, Hereditary. Identifiers: Orphanet 140162, MedGen C0027672, MeSH D009386, MONDO:0015356.

Submissions (5):

Ambry Genetics
Classification: Pathogenic for Hereditary cancer-predisposing syndrome. Last evaluated: 2024-11-19. Review status: criteria provided, single submitter. Criteria: Ambry Variant Classification Scheme 2023. Collection method: clinical testing. Allele origin: germline.
Comment: The p.Q350* pathogenic mutation (also known as c.1048C>T), located in coding exon 4 of the PALB2 gene, results from a C to T substitution at nucleotide position 1048. This changes the amino acid from a glutamine to a stop codon within coding exon 4. This alteration has also been reported in 3/7051 unselected breast cancer patients and in 0/11241 female controls of Japanese ancestry (Momozawa Y et al. Nat Commun, 2018 10;9:4083). This variant is considered to be rare based on population cohorts in the Genome Aggregation Database (gnomAD). In addition to the clinical data presented in the literature, this alteration is expected to result in loss of function by premature protein truncation or nonsense-mediated mRNA decay. As such, this alteration is interpreted as a disease-causing mutation.

Myriad Genetics, Inc.
Classification: Pathogenic for Familial cancer of breast. Last evaluated: 2023-09-07. Review status: criteria provided, single submitter. Criteria: Myriad Autosomal Dominant, Autosomal Recessive and X-Linked Classification Criteria (2023). Collection method: clinical testing. Allele origin: unknown.
Comment: This variant is considered pathogenic. This variant creates a termination codon and is predicted to result in premature protein truncation.

Labcorp Genetics (formerly Invitae), Labcorp
Classification: Pathogenic for Familial cancer of breast. Last evaluated: 2023-07-24. Review status: criteria provided, single submitter. Criteria: Invitae Variant Classification Sherloc (09022015). Collection method: clinical testing. Allele origin: germline.
Comment: This sequence change creates a premature translational stop signal (p.Gln350*) in the PALB2 gene. It is expected to result in an absent or disrupted protein product. Loss-of-function variants in PALB2 are known to be pathogenic (PMID: 17200668, 17200671, 17200672, 24136930, 25099575). This variant is not present in population databases (gnomAD no frequency). This premature translational stop signal has been observed in individual(s) with breast cancer (PMID: 27783279). ClinVar contains an entry for this variant (Variation ID: 410191). For these reasons, this variant has been classified as Pathogenic.

GeneDx
Classification: Pathogenic. Last evaluated: 2017-05-22. Review status: criteria provided, single submitter. Criteria: GeneDx Variant Classification (06012015). Collection method: clinical testing. Allele origin: germline. Affected: yes.
Comment: This variant is denoted PALB2 c.1048C>T at the cDNA level and p.Gln350Ter (Q350X) at the proteinlevel. The substitution creates a nonsense variant, which changes a Glutamine to a premature stop codon (CAA>TAA),and is predicted to cause loss of normal protein function through either protein truncation or nonsense-mediated mRNAdecay. This variant has been reported in at least one women with a history of bilateral breast cancer (Kim 2016) and isconsidered pathogenic

Leiden Open Variation Database
Classification: Pathogenic. Last evaluated: 2018-10-10. Review status: no assertion criteria provided. Collection method: curation. Allele origin: germline. Affected: yes. Not counted in ClinVar's aggregate classification.
Comment: Curators: Marc Tischkowitz, Arleen D. Auerbach. Submitter to LOVD: Yukihide Momozawa.

Literature cited by the submitters: PubMed 27783279 (cited by Ambry Genetics and Labcorp Genetics (formerly Invitae), Labcorp); PubMed 30287823 (cited by Ambry Genetics and Leiden Open Variation Database); PubMed 17200668 (cited by Labcorp Genetics (formerly Invitae), Labcorp); PubMed 17200671 (cited by Labcorp Genetics (formerly Invitae), Labcorp); PubMed 17200672 (cited by Labcorp Genetics (formerly Invitae), Labcorp); PubMed 24136930 (cited by Labcorp Genetics (formerly Invitae), Labcorp); PubMed 25099575 (cited by Labcorp Genetics (formerly Invitae), Labcorp).